The following is an entry in ClinVar:

NM_006031.6(PCNT):c.4990A>C (p.Lys1664Gln)

Gene: PCNT (pericentrin; plus strand). Cytogenetic location: 21q22.3.
Variant type: single nucleotide variant.
Coding change: c.4990A>C on transcript NM_006031.6 (MANE Select); coding-DNA position 4990, A replaced by C.
Protein change: p.Lys1664Gln; replaces lysine 1664 with glutamine.
Molecular consequence: missense variant.
Genome position (GRCh38, 1-based): chr21:46,402,358, A>C. VCF-style: chr21-46402358-A-C. GRCh37 (hg19) VCF-style: chr21-47822272-A-C.
Other names: c.4636A>C, p.Lys1546Gln (NM_001315529.2); short protein forms K1546Q, K1664Q.
Identifiers: ClinVar variation 5001428 (VCV005001428.1).

ClinVar aggregate classification (germline): Uncertain significance (1 of 4 stars; one submission).

Conditions:
PCNT-related disorder. Also called: PCNT-related condition.

Submission:

PreventionGenetics, part of Exact Sciences
Classification: Uncertain significance for PCNT-related condition. Last evaluated: 2024-12-10. Review status: criteria provided, single submitter. Criteria: ACMG Guidelines, 2015. Collection method: clinical testing. Allele origin: germline.
Comment: The PCNT c.4990A>C variant is predicted to result in the amino acid substitution p.Lys1664Gln. To our knowledge, this variant has not been reported in the literature or in a large population database (gnomAD), indicating this variant is rare. At this time, the clinical significance of this variant is uncertain due to the absence of conclusive functional and genetic evidence.